The following is an entry in ClinVar:

NM_000540.3(RYR1):c.5273C>G (p.Pro1758Arg)

Gene: RYR1 (ryanodine receptor 1; plus strand). Cytogenetic location: 19q13.2.
Variant type: single nucleotide variant.
Coding change: c.5273C>G on transcript NM_000540.3 (MANE Select); coding-DNA position 5273, C replaced by G.
Protein change: p.Pro1758Arg; replaces proline 1758 with arginine.
Molecular consequence: missense variant.
Genome position (GRCh38, 1-based): chr19:38,485,928, C>G. VCF-style: chr19-38485928-C-G. GRCh37 (hg19) VCF-style: chr19-38976568-C-G.
Other names: c.5273C>G, p.Pro1758Arg (NM_001042723.2); short protein forms P1758R.
Identifiers: ClinVar variation 3069916 (VCV003069916.1), dbSNP rs371317448, ClinGen allele CA405654386.

ClinVar aggregate classification (germline): Uncertain significance (1 of 4 stars; one submission).

Conditions:
Malignant hyperthermia, susceptibility to, 1 (MHS1). Also called: RYR1-Related Malignant Hyperthermia Susceptibility; Anesthesia related hyperthermia; Malignant hyperpyrexia; Fulminating hyperpyrexia; Pharmacogenic myopathy; Malignant hyperthermia suceptibility 1. Identifiers: Orphanet 423, MedGen C2930980, MONDO:0007783, OMIM 145600.

gnomAD v4.1: 1 of 1,613,736 alleles (0.000062%); no homozygotes.

Submission:

All of Us Research Program, National Institutes of Health
Classification: Uncertain significance for Malignant hyperthermia, susceptibility to, 1. Last evaluated: 2023-03-23. Review status: criteria provided, single submitter. Criteria: ACMG Guidelines, 2015. Collection method: clinical testing. Allele origin: germline. Inheritance: Autosomal dominant inheritance. Observed: 1 variant allele, 1 heterozygote.
Comment: This missense variant replaces proline with arginine at codon 1758 of the RYR1 protein. Computational prediction suggests that this variant may not impact protein structure and function (internally defined REVEL score threshold <= 0.5, PMID: 27666373). To our knowledge, functional studies have not been reported for this variant. This variant has not been reported in individuals affected with RYR1-related disorders in the literature. This variant has not been identified in the general population by the Genome Aggregation Database (gnomAD). The available evidence is insufficient to determine the role of this variant in disease conclusively. Therefore, this variant is classified as a Variant of Uncertain Significance.

This study involves interpretation of variants in research participants for the purpose of population health screening. Participant phenotype was not available at the time of variant classification. Additional details can be found in publication PMID: 35346344, PMCID: PMC8962531